The following is an entry in ClinVar:

ClinVar aggregate classification (germline): Uncertain significance. Review status: criteria provided, multiple submitters, no conflicts (2 of 4 stars). 2 submissions from 2 submitters: Uncertain significance (2). Last evaluated 2024-03-21.

Conditions:
Nephrolithiasis/nephrocalcinosis. Identifiers: MedGen CN580796.
Familial hypocalciuric hypercalcemia 1. Also called: Hypercalcemia, familial benign type 1. Identifiers: Orphanet 405, Orphanet 93372, MedGen C0342637, MONDO:0007791, OMIM 145980.
Epilepsy, idiopathic generalized, susceptibility to, 8. Identifiers: MedGen C2752062, MONDO:0013032, OMIM 612899.
Autosomal dominant hypocalcemia 1 (HYPOC1). Also called: HYPOCALCEMIA, FAMILIAL. Identifiers: MedGen C3715128, MONDO:0011013, OMIM 601198.
Neonatal severe primary hyperparathyroidism. Identifiers: Orphanet 417, MedGen C1832615, MONDO:0009397, OMIM 239200.

Submissions (2):

Fulgent Genetics
Classification: Uncertain significance for Familial hypocalciuric hypercalcemia 1; Neonatal severe primary hyperparathyroidism; Autosomal dominant hypocalcemia 1; Epilepsy, idiopathic generalized, susceptibility to, 8. Last evaluated: 2024-03-21. Review status: criteria provided, single submitter. Criteria: ACMG Guidelines, 2015. Collection method: clinical testing. Allele origin: germline.

Ambry Genetics
Classification: Uncertain significance for Nephrolithiasis/nephrocalcinosis. Last evaluated: 2023-09-09. Review status: criteria provided, single submitter. Criteria: Ambry Variant Classification Scheme 2023. Collection method: clinical testing. Allele origin: germline.
Comment: The p.E79Q variant (also known as c.235G>C), located in coding exon 2 of the CASR gene, results from a G to C substitution at nucleotide position 235. The glutamic acid at codon 79 is replaced by glutamine, an amino acid with highly similar properties. This amino acid position is conserved. In addition, the in silico prediction for this alteration is inconclusive. Since supporting evidence is limited at this time, the clinical significance of this alteration remains unclear.

NM_000388.4(CASR):c.235G>C (p.Glu79Gln)

Gene: CASR (calcium sensing receptor; plus strand). Cytogenetic location: 3q21.1.
Variant type: single nucleotide variant.
Coding change: c.235G>C on transcript NM_000388.4 (MANE Select); coding-DNA position 235, G replaced by C.
Protein change: p.Glu79Gln; replaces glutamic acid 79 with glutamine.
Molecular consequence: missense variant.
Genome position (GRCh38, 1-based): chr3:122,257,130, G>C. VCF-style: chr3-122257130-G-C. GRCh37 (hg19) VCF-style: chr3-121975977-G-C.
Other names: c.235G>C, p.Glu79Gln (NM_001178065.2); short protein forms E79Q.
Identifiers: ClinVar variation 3231537 (VCV003231537.2), dbSNP rs2074562715, ClinGen allele CA354362451.